The following is an entry in ClinVar:

ClinVar aggregate classification (germline): Uncertain significance (1 of 4 stars; one submission).

Conditions:
Cardiovascular phenotype. Identifiers: MedGen CN230736.

Submission:

Ambry Genetics
Classification: Uncertain significance for Cardiovascular phenotype. Last evaluated: 2026-08-31. Review status: criteria provided, single submitter. Criteria: Ambry Variant Classification Scheme 2023. Collection method: clinical testing. Allele origin: germline.
Comment: The p.K520N variant (also known as c.1560A>T), located in coding exon 8 of the MYPN gene, results from an A to T substitution at nucleotide position 1560. The lysine at codon 520 is replaced by asparagine, an amino acid with similar properties. This amino acid position is conserved. In addition, this alteration is predicted to be tolerated by in silico analysis. Based on the available evidence, the clinical significance of this variant remains unclear.

NM_032578.4(MYPN):c.1560A>T (p.Lys520Asn)

Gene: MYPN (myopalladin; plus strand). Cytogenetic location: 10q21.3.
Variant type: single nucleotide variant.
Coding change: c.1560A>T on transcript NM_032578.4 (MANE Select); coding-DNA position 1560, A replaced by T.
Protein change: p.Lys520Asn; replaces lysine 520 with asparagine.
Molecular consequence: missense variant. On other transcripts: non-coding transcript variant (2).
Genome position (GRCh38, 1-based): chr10:68,165,778, A>T. VCF-style: chr10-68165778-A-T. GRCh37 (hg19) VCF-style: chr10-69925535-A-T.
Other names: c.1560A>T, p.Lys520Asn (NM_001256267.2); c.678A>T, p.Lys226Asn (NM_001256268.2); short protein forms K226N, K520N.
Identifiers: ClinVar variation 5025314 (VCV005025314.1).